The following is an entry in ClinVar:

NM_022114.4(PRDM16):c.1597_1598delinsCT (p.Ser533Leu)

Gene: PRDM16 (PR/SET domain 16; plus strand). Cytogenetic location: 1p36.32.
Variant type: Indel.
Coding change: c.1597_1598delinsCT on transcript NM_022114.4 (MANE Select); coding-DNA positions 1597 to 1598, TC replaced by CT.
Protein change: p.Ser533Leu; replaces serine 533 with leucine.
Molecular consequence: missense variant.
Genome position (GRCh38, 1-based): chr1:3,411,794-3,411,795, TC replaced by CT. VCF-style: chr1-3411794-TC-CT. GRCh37 (hg19) VCF-style: chr1-3328358-TC-CT.
Other names: c.1597_1598delinsCT, p.Ser533Leu (NM_199454.3); short protein forms S533L.
Identifiers: ClinVar variation 954400 (VCV000954400.9), dbSNP rs1643691703, ClinGen allele CA1139655456.

ClinVar aggregate classification (germline): Uncertain significance (1 of 4 stars; one submission).

Conditions:
Left ventricular noncompaction 8 (LVNC8). Identifiers: Orphanet 154, Orphanet 54260, MedGen C3809288, MONDO:0014152, OMIM 615373.

Submission:

Labcorp Genetics (formerly Invitae), Labcorp
Classification: Uncertain significance for Left ventricular noncompaction 8. Last evaluated: 2025-01-15. Review status: criteria provided, single submitter. Criteria: Invitae Variant Classification Sherloc (09022015). Collection method: clinical testing. Allele origin: germline.
Comment: This sequence change replaces serine, which is neutral and polar, with leucine, which is neutral and non-polar, at codon 533 of the PRDM16 protein (p.Ser533Leu). This variant is present in population databases (no rsID available, gnomAD 0.002%). This variant has not been reported in the literature in individuals affected with PRDM16-related conditions. ClinVar contains an entry for this variant (Variation ID: 954400). An algorithm developed to predict the effect of missense changes on protein structure and function (PolyPhen-2) suggests that this variant is likely to be tolerated. In summary, the available evidence is currently insufficient to determine the role of this variant in disease. Therefore, it has been classified as a Variant of Uncertain Significance.